The following is an entry in ClinVar:

ClinVar aggregate classification (germline): Uncertain significance. Review status: criteria provided, multiple submitters, no conflicts (2 of 4 stars). 3 submissions from 3 submitters: Uncertain significance (3). Last evaluated 2025-06-24.

Conditions:
Liddle syndrome 1 (LIDLS1). Also called: PSEUDOALDOSTERONISM. Identifiers: Orphanet 526, MedGen CN031472, MONDO:0020607, OMIM 177200.
Bronchiectasis with or without elevated sweat chloride 1 (BESC1). Also called: Cystic Fibrosis-Like Syndrome. Identifiers: Orphanet 60033, MedGen C2749757, MONDO:0008887, OMIM 211400.
Pseudohypoaldosteronism, type IB2, autosomal recessive (PHA1B2). Identifiers: MedGen C5774255, MONDO:0859317, OMIM 620125.

gnomAD v4.1: 84 of 1,614,004 alleles (0.0052%); highest among the groups gnomAD compares: East Asian, 0.078%; no homozygotes.

Submissions (3):

Labcorp Genetics (formerly Invitae), Labcorp
Classification: Uncertain significance. Last evaluated: 2025-06-24. Review status: criteria provided, single submitter. Criteria: Invitae Variant Classification Sherloc (09022015). Collection method: clinical testing. Allele origin: germline.
Comment: This sequence change replaces arginine, which is basic and polar, with tryptophan, which is neutral and slightly polar, at codon 259 of the SCNN1B protein (p.Arg259Trp). This variant is present in population databases (rs72654326, gnomAD 0.05%). This variant has not been reported in the literature in individuals affected with SCNN1B-related conditions. ClinVar contains an entry for this variant (Variation ID: 3579972). An algorithm developed to predict the effect of missense changes on protein structure and function (PolyPhen-2) suggests that this variant is likely to be disruptive. In summary, the available evidence is currently insufficient to determine the role of this variant in disease. Therefore, it has been classified as a Variant of Uncertain Significance.

Blueprint Genetics
Classification: Uncertain significance. Last evaluated: 2024-06-27. Review status: criteria provided, single submitter. Criteria: ACMG Guidelines, 2015. Collection method: clinical testing. Allele origin: germline.

Fulgent Genetics
Classification: Uncertain significance for Liddle syndrome 1; Bronchiectasis with or without elevated sweat chloride 1; Pseudohypoaldosteronism, type IB2, autosomal recessive. Last evaluated: 2024-01-14. Review status: criteria provided, single submitter. Criteria: ACMG Guidelines, 2015. Collection method: clinical testing. Allele origin: germline.

NM_000336.3(SCNN1B):c.775C>T (p.Arg259Trp)

Gene: SCNN1B (sodium channel epithelial 1 subunit beta; plus strand). Cytogenetic location: 16p12.2.
Variant type: single nucleotide variant.
Coding change: c.775C>T on transcript NM_000336.3 (MANE Select); coding-DNA position 775, C replaced by T.
Protein change: p.Arg259Trp; replaces arginine 259 with tryptophan.
Molecular consequence: missense variant.
Genome position (GRCh38, 1-based): chr16:23,355,488, C>T. VCF-style: chr16-23355488-C-T. GRCh37 (hg19) VCF-style: chr16-23366809-C-T.
Other names: c.775C>T, p.Arg259Trp (NM_001410900.1); short protein forms R259W.
Identifiers: ClinVar variation 3579972 (VCV003579972.3).